The following is an entry in ClinVar:

ClinVar aggregate classification (germline): Uncertain significance. Review status: criteria provided, multiple submitters, no conflicts (2 of 4 stars). 4 submissions from 4 submitters: Uncertain significance (3). 1 of the submissions does not count toward it. Last evaluated 2026-05-29.

Conditions:
Cohen syndrome (COH1). Also called: PEPPER SYNDROME; Cutis verticis gyrata, retinitis pigmentosa, and sensorineural deafness. Identifiers: Orphanet 193, MedGen C0265223, MONDO:0008999, OMIM 216550.
VPS13B-related disorder. Also called: VPS13B-related condition.

Allele frequency attached by ClinVar (database versions not stated): TOPMed 0.00003; gnomAD exomes 0.00004 and 0.00008; gnomAD 0.00006; ExAC 0.00008.
gnomAD v4.1: 73 of 1,613,918 alleles (0.0045%); highest among the groups gnomAD compares: African/African-American, 0.012%; 1 homozygote.

Submissions (4):

PreventionGenetics, part of Exact Sciences
Classification: Uncertain significance for VPS13B-related condition. Last evaluated: 2026-05-29. Review status: criteria provided, single submitter. Criteria: ACMG Guidelines, 2015. Collection method: clinical testing. Allele origin: germline.
Comment: The VPS13B c.9830C>T variant is predicted to result in the amino acid substitution p.Pro3277Leu. To our knowledge, this variant has not been reported in the literature. This variant is reported in 0.014% of alleles in individuals of Latino descent in gnomAD. At this time, the clinical significance of this variant is uncertain due to the absence of conclusive functional and genetic evidence.

Blueprint Genetics
Classification: Uncertain significance. Last evaluated: 2024-08-06. Review status: criteria provided, single submitter. Criteria: ACMG Guidelines, 2015. Collection method: clinical testing. Allele origin: germline.

Labcorp Genetics (formerly Invitae), Labcorp
Classification: Uncertain significance for Cohen syndrome. Last evaluated: 2022-10-03. Review status: criteria provided, single submitter. Criteria: Invitae Variant Classification Sherloc (09022015). Collection method: clinical testing. Allele origin: germline.
Comment: This sequence change replaces proline, which is neutral and non-polar, with leucine, which is neutral and non-polar, at codon 3302 of the VPS13B protein (p.Pro3302Leu). This variant is present in population databases (rs141138612, gnomAD 0.01%). This variant has not been reported in the literature in individuals affected with VPS13B-related conditions. ClinVar contains an entry for this variant (Variation ID: 840572). Advanced modeling of protein sequence and biophysical properties (such as structural, functional, and spatial information, amino acid conservation, physicochemical variation, residue mobility, and thermodynamic stability) performed at Invitae indicates that this missense variant is expected to disrupt VPS13B protein function. In summary, the available evidence is currently insufficient to determine the role of this variant in disease. Therefore, it has been classified as a Variant of Uncertain Significance.

Natera, Inc.
Classification: Uncertain significance for Cohen syndrome. Last evaluated: 2020-09-16. Review status: no assertion criteria provided. Collection method: clinical testing. Allele origin: germline. Not counted in ClinVar's aggregate classification.

NM_152564.5(VPS13B):c.9830C>T (p.Pro3277Leu)

Gene: VPS13B (vacuolar protein sorting 13 homolog B; plus strand). Cytogenetic location: 8q22.2.
Variant type: single nucleotide variant.
Coding change: c.9830C>T on transcript NM_152564.5 (MANE Select); coding-DNA position 9830, C replaced by T.
Protein change: p.Pro3277Leu; replaces proline 3277 with leucine.
Molecular consequence: missense variant.
Genome position (GRCh38, 1-based): chr8:99,835,626, C>T. VCF-style: chr8-99835626-C-T. GRCh37 (hg19) VCF-style: chr8-100847854-C-T.
Other names: c.9830C>T (NM_152564.4); c.9905C>T, p.Pro3302Leu (NM_017890.5); short protein forms P3277L, P3302L.
Identifiers: ClinVar variation 840572 (VCV000840572.6), dbSNP rs141138612, ClinGen allele CA4824809.